The following is an entry in ClinVar:

ClinVar aggregate classification (germline): Uncertain significance (1 of 4 stars; one submission).

Conditions:
Combined immunodeficiency due to LRBA deficiency. Also called: Common variable immunodeficiency 8, with autoimmunity. Identifiers: Orphanet 445018, MedGen C3553512, MONDO:0013863, OMIM 614700.

Allele frequency attached by ClinVar (database versions not stated): gnomAD exomes below 0.00001; gnomAD 0.00001; 1000 Genomes Project 0.00020; 1000 Genomes Project 30x 0.00031.
gnomAD v4.1: 1 of 1,606,378 alleles (0.000062%); highest among the groups gnomAD compares: East Asian, 0.0022%; no homozygotes.

Submission:

Labcorp Genetics (formerly Invitae), Labcorp
Classification: Uncertain significance for Combined immunodeficiency due to LRBA deficiency. Last evaluated: 2025-12-08. Review status: criteria provided, single submitter. Criteria: Invitae Variant Classification Sherloc (09022015). Collection method: clinical testing. Allele origin: germline.
Comment: This sequence change replaces aspartic acid, which is acidic and polar, with glycine, which is neutral and non-polar, at codon 2383 of the LRBA protein (p.Asp2383Gly). This variant is not present in population databases (gnomAD no frequency). This variant has not been reported in the literature in individuals affected with LRBA-related conditions. ClinVar contains an entry for this variant (Variation ID: 654704). Invitae Evidence Modeling of protein sequence and biophysical properties (such as structural, functional, and spatial information, amino acid conservation, physicochemical variation, residue mobility, and thermodynamic stability) indicates that this missense variant is expected to disrupt LRBA protein function with a positive predictive value of 80%. In summary, the available evidence is currently insufficient to determine the role of this variant in disease. Therefore, it has been classified as a Variant of Uncertain Significance.

NM_001364905.1(LRBA):c.7115A>G (p.Asp2372Gly)

Gene: LRBA (LPS responsive beige-like anchor protein; minus strand). Cytogenetic location: 4q31.3.
Variant type: single nucleotide variant.
Coding change: c.7115A>G on transcript NM_001364905.1 (MANE Select); coding-DNA position 7115, A replaced by G.
Protein change: p.Asp2372Gly; replaces aspartic acid 2372 with glycine.
Molecular consequence: missense variant.
Genome position (GRCh38, 1-based): chr4:150,415,517, T>C on the plus strand (A>G on the coding strand, the complement: LRBA is on the minus strand). VCF-style: chr4-150415517-T-C. GRCh37 (hg19) VCF-style: chr4-151336669-T-C.
Other names: c.7115A>G, p.Asp2372Gly (NM_001199282.3, NM_001367550.1); c.7148A>G, p.Asp2383Gly (NM_006726.5); short protein forms D2383G, D2372G.
Identifiers: ClinVar variation 654704 (VCV000654704.9), dbSNP rs565708911, ClinGen allele CA108334229.